The following is an entry in ClinVar:

NM_001374736.1(DST):c.19648A>G (p.Thr6550Ala)

Gene: DST (dystonin; minus strand). Cytogenetic location: 6p12.1.
Variant type: single nucleotide variant.
Coding change: c.19648A>G on transcript NM_001374736.1 (MANE Select); coding-DNA position 19648, A replaced by G.
Protein change: p.Thr6550Ala; replaces threonine 6550 with alanine.
Molecular consequence: missense variant.
Genome position (GRCh38, 1-based): chr6:56,501,612, T>C on the plus strand (A>G on the coding strand, the complement: DST is on the minus strand). VCF-style: chr6-56501612-T-C. GRCh37 (hg19) VCF-style: chr6-56366410-T-C.
Other names: p.Thr3927Ala; c.13291A>G, p.Thr4431Ala (NM_001144769.5); c.12877A>G, p.Thr4293Ala (NM_001144770.2); c.19648A>G, p.Thr6550Ala (NM_001374722.1); c.18688A>G, p.Thr6230Ala (NM_001374729.1); c.12430A>G, p.Thr4144Ala (NM_001374730.1); c.19675A>G, p.Thr6559Ala (NM_001374734.1); c.12757A>G, p.Thr4253Ala (NM_001386100.1, NM_183380.4); and 1 more; short protein forms T4144A, T4293A, T6550A, T6559A, T3927A, T6230A, T4253A, T4431A.
Identifiers: ClinVar variation 795841 (VCV000795841.14), dbSNP rs147983675, ClinGen allele CA3866936.

ClinVar aggregate classification (germline): Benign/Likely benign. Review status: criteria provided, multiple submitters, no conflicts (2 of 4 stars). 3 submissions from 3 submitters: Benign (2); Likely benign (1). Last evaluated 2026-01-27.

Conditions:
Hereditary sensory and autonomic neuropathy type 6. Also called: HSAN VI; Neuropathy, hereditary sensory and autonomic, type VI. Identifiers: Orphanet 314381, MedGen C3539003, MONDO:0013839, OMIM 614653.
Epidermolysis bullosa simplex 3, localized or generalized intermediate, with BP230 deficiency (EBS3). Also called: Epidermolysis bullosa simplex, autosomal recessive 2; Epidermolysis bullosa simplex due to BP230 deficiency. Identifiers: Orphanet 412181, MedGen C3809470, MONDO:0014180, OMIM 615425.

Allele frequency attached by ClinVar (database versions not stated): 1000 Genomes Project 0.01038; 1000 Genomes Project 30x 0.01156; gnomAD exomes 0.00165 and 0.00063; gnomAD 0.00711 and 0.00671; ESP Exome Variant Server 0.00739; ExAC 0.00216; TOPMed 0.00762.
gnomAD v4.1: 2,000 of 1,609,092 alleles (0.12%); highest among the groups gnomAD compares: African/African-American, 2.4%; 21 homozygotes.

Submissions (3):

Labcorp Genetics (formerly Invitae), Labcorp
Classification: Benign for Epidermolysis bullosa simplex 3, localized or generalized intermediate, with BP230 deficiency; Hereditary sensory and autonomic neuropathy type 6. Last evaluated: 2026-01-27. Review status: criteria provided, single submitter. Criteria: Invitae Variant Classification Sherloc (09022015). Collection method: clinical testing. Allele origin: germline.

GeneDx
Classification: Likely benign. Last evaluated: 2021-09-11. Review status: criteria provided, single submitter. Criteria: GeneDx Variant Classification Process June 2021. Collection method: clinical testing. Allele origin: germline. Affected: yes.
Comment: See Variant Classification Assertion Criteria.

Mayo Clinic Laboratories, Mayo Clinic
Classification: Benign. Last evaluated: 2020-02-03. Review status: criteria provided, single submitter. Criteria: ACMG Guidelines, 2015. Collection method: clinical testing. Allele origin: germline. Observed: 9 variant alleles.